The following is an entry in ClinVar:

ClinVar aggregate classification (germline): Uncertain significance. Review status: criteria provided, multiple submitters, no conflicts (2 of 4 stars). 2 submissions from 2 submitters: Uncertain significance (2). Last evaluated 2025-11-09.

Conditions:
Neuropathy, hereditary sensory and autonomic, type 2A (HSAN2A). Also called: MORVAN DISEASE; NEUROPATHY, CONGENITAL SENSORY; NEUROPATHY, HEREDITARY SENSORY RADICULAR, AUTOSOMAL RECESSIVE; NEUROPATHY, HEREDITARY SENSORY, TYPE IIA; NEUROPATHY, PROGRESSIVE SENSORY, OF CHILDREN; WNK1-Related HSAN2 (HSAN2A). Identifiers: Orphanet 970, MedGen C2752089, MONDO:0024309, OMIM 201300.
Pseudohypoaldosteronism type 2C (PHA2C). Also called: Pseudohypoaldosteronism Type IIC. Identifiers: Orphanet 757, Orphanet 88940, MedGen C1840391, MONDO:0013778, OMIM 614492.

Allele frequency attached by ClinVar (database versions not stated): TOPMed 0.00002; ExAC 0.00003; gnomAD exomes 0.00004; 1000 Genomes Project 30x 0.00016; 1000 Genomes Project 0.00020.
gnomAD v4.1: 24 of 1,613,922 alleles (0.0015%); highest among the groups gnomAD compares: South Asian, 0.0066%; no homozygotes.

Submissions (2):

Labcorp Genetics (formerly Invitae), Labcorp
Classification: Uncertain significance for Neuropathy, hereditary sensory and autonomic, type 2A; Pseudohypoaldosteronism type 2C. Last evaluated: 2025-11-09. Review status: criteria provided, single submitter. Criteria: Invitae Variant Classification Sherloc (09022015). Collection method: clinical testing. Allele origin: germline.
Comment: This sequence change replaces proline, which is neutral and non-polar, with leucine, which is neutral and non-polar, at codon 1007 of the WNK1 protein (p.Pro1007Leu). This variant is present in population databases (rs539230381, gnomAD 0.007%). This variant has not been reported in the literature in individuals affected with WNK1-related conditions. ClinVar contains an entry for this variant (Variation ID: 1043387). Invitae Evidence Modeling of protein sequence and biophysical properties (such as structural, functional, and spatial information, amino acid conservation, physicochemical variation, residue mobility, and thermodynamic stability) indicates that this missense variant is not expected to disrupt WNK1 protein function with a negative predictive value of 95%. In summary, the available evidence is currently insufficient to determine the role of this variant in disease. Therefore, it has been classified as a Variant of Uncertain Significance.

Fulgent Genetics
Classification: Uncertain significance for Neuropathy, hereditary sensory and autonomic, type 2A; Pseudohypoaldosteronism type 2C. Last evaluated: 2021-12-06. Review status: criteria provided, single submitter. Criteria: ACMG Guidelines, 2015. Collection method: clinical testing. Allele origin: unknown.

NM_213655.5(WNK1):c.3020C>T (p.Pro1007Leu)

Gene: WNK1 (WNK lysine deficient protein kinase 1; plus strand). Cytogenetic location: 12p13.33.
Variant type: single nucleotide variant.
Coding change: c.3020C>T on transcript NM_213655.5 (MANE Plus Clinical); coding-DNA position 3020, C replaced by T.
Protein change: p.Pro1007Leu; replaces proline 1007 with leucine.
Molecular consequence: missense variant. On other transcripts: intron variant (2).
Genome position (GRCh38, 1-based): chr12:868,491, C>T. VCF-style: chr12-868491-C-T. GRCh37 (hg19) VCF-style: chr12-977657-C-T.
Other names: c.2765C>T, p.Pro922Leu (NM_001184985.2); c.2140-2774C>T (NM_018979.4, NM_014823.3); short protein forms P1007L, P922L.
Identifiers: ClinVar variation 1043387 (VCV001043387.8), dbSNP rs539230381, ClinGen allele CA6382283.